The following is an entry in ClinVar:

ClinVar aggregate classification (germline): Likely benign (1 of 4 stars; one submission).

Allele frequency attached by ClinVar (database versions not stated): gnomAD exomes 0.00006; ExAC 0.00007; TOPMed 0.00007; gnomAD 0.00008; ESP Exome Variant Server 0.00017.
gnomAD v4.1: 100 of 1,610,158 alleles (0.0062%); highest among the groups gnomAD compares: Non-Finnish European, 0.0079%; no homozygotes.

Submission:

CeGaT Center for Human Genetics Tuebingen
Classification: Likely benign. Last evaluated: 2023-11-01. Review status: criteria provided, single submitter. Criteria: CeGaT Center For Human Genetics Tuebingen Variant Classification Criteria Version 2. Collection method: clinical testing. Allele origin: germline. Affected: yes. Observed: 1 variant allele.
Comment: DYNC1I2: BP4, BP7

NM_001378.3(DYNC1I2):c.1653G>A (p.Leu551=)

Gene: DYNC1I2 (dynein cytoplasmic 1 intermediate chain 2; plus strand). Cytogenetic location: 2q31.1.
Variant type: single nucleotide variant.
Coding change: c.1653G>A on transcript NM_001378.3 (MANE Select); coding-DNA position 1653, G replaced by A.
Protein change: p.Leu551=; no amino-acid change (leucine 551 retained).
Molecular consequence: synonymous variant.
Genome position (GRCh38, 1-based): chr2:171,744,165, G>A. VCF-style: chr2-171744165-G-A. GRCh37 (hg19) VCF-style: chr2-172600675-G-A.
Other names: c.1653G>A, p.Leu551= (NM_001271785.2); c.1629G>A, p.Leu543= (NM_001271786.2, NM_001271787.2); c.1575G>A, p.Leu525= (NM_001271788.2, NM_001271789.2, NM_001271790.2 and 1 more transcripts); c.1635G>A, p.Leu545= (NM_001320882.2, NM_001320883.2, NM_001378455.1 and 1 more transcripts).
Identifiers: ClinVar variation 2672833 (VCV002672833.23), dbSNP rs199850267, ClinGen allele CA1965888.